The following is an entry in ClinVar:

NM_012452.3(TNFRSF13B):c.146C>T (p.Ser49Phe)

Gene: TNFRSF13B (TNF receptor superfamily member 13B; minus strand). Cytogenetic location: 17p11.2.
Variant type: single nucleotide variant.
Coding change: c.146C>T on transcript NM_012452.3 (MANE Select); coding-DNA position 146, C replaced by T.
Protein change: p.Ser49Phe; replaces serine 49 with phenylalanine.
Molecular consequence: missense variant.
Genome position (GRCh38, 1-based): chr17:16,952,499, G>A on the plus strand (C>T on the coding strand, the complement: TNFRSF13B is on the minus strand). VCF-style: chr17-16952499-G-A. GRCh37 (hg19) VCF-style: chr17-16855813-G-A.
Other names: short protein forms S49F.
Identifiers: ClinVar variation 1983186 (VCV001983186.3), dbSNP rs1013908503, ClinGen allele CA288291027.

ClinVar aggregate classification (germline): Uncertain significance. Review status: criteria provided, multiple submitters, no conflicts (2 of 4 stars). 2 submissions from 2 submitters: Uncertain significance (2). Last evaluated 2023-12-15.

Conditions:
Immunodeficiency, common variable, 2 (CVID2). Also called: ANTIBODY DEFICIENCY DUE TO TACI DEFECT; HYPOGAMMAGLOBULINEMIA DUE TO TACI DEFICIENCY. Identifiers: Orphanet 1572, MedGen C3150354, MONDO:0009413, OMIM 240500.
Inborn genetic diseases. Identifiers: MedGen C0950123, MeSH D030342.

Allele frequency attached by ClinVar (database versions not stated): gnomAD exomes 0.00001; TOPMed 0.00012; gnomAD 0.00011.

Submissions (2):

Ambry Genetics
Classification: Uncertain significance for Inborn genetic diseases. Last evaluated: 2023-12-15. Review status: criteria provided, single submitter. Criteria: Ambry Variant Classification Scheme 2023. Collection method: clinical testing. Allele origin: germline.

Labcorp Genetics (formerly Invitae), Labcorp
Classification: Uncertain significance for Immunodeficiency, common variable, 2. Last evaluated: 2023-10-05. Review status: criteria provided, single submitter. Criteria: Invitae Variant Classification Sherloc (09022015). Collection method: clinical testing. Allele origin: germline.
Comment: This sequence change replaces serine, which is neutral and polar, with phenylalanine, which is neutral and non-polar, at codon 49 of the TNFRSF13B protein (p.Ser49Phe). This variant is present in population databases (no rsID available, gnomAD 0.07%). This variant has not been reported in the literature in individuals affected with TNFRSF13B-related conditions. ClinVar contains an entry for this variant (Variation ID: 1983186). Advanced modeling of protein sequence and biophysical properties (such as structural, functional, and spatial information, amino acid conservation, physicochemical variation, residue mobility, and thermodynamic stability) performed at Invitae indicates that this missense variant is expected to disrupt TNFRSF13B protein function. In summary, the available evidence is currently insufficient to determine the role of this variant in disease. Therefore, it has been classified as a Variant of Uncertain Significance.